The following is an entry in ClinVar:

NM_003000.3(SDHB):c.71A>C (p.Gln24Pro)

Genes: SDHB (succinate dehydrogenase complex iron sulfur subunit B; minus strand), LOC129929542 (ATAC-STARR-seq lymphoblastoid active region 277; plus strand). Cytogenetic location: 1p36.13.
Variant type: single nucleotide variant.
Coding change: c.71A>C on transcript NM_003000.3 (MANE Select); coding-DNA position 71, A replaced by C.
Protein change: p.Gln24Pro; replaces glutamine 24 with proline.
Molecular consequence: missense variant.
Genome position (GRCh38, 1-based): chr1:17,053,949, T>G on the plus strand (A>C on the coding strand, the complement: SDHB is on the minus strand). VCF-style: chr1-17053949-T-G. GRCh37 (hg19) VCF-style: chr1-17380444-T-G.
Other names: short protein forms Q24P.
Identifiers: ClinVar variation 239439 (VCV000239439.8), dbSNP rs878854580, ClinGen allele CA10581754.

ClinVar aggregate classification (germline): Uncertain significance. Review status: criteria provided, multiple submitters, no conflicts (2 of 4 stars). 3 submissions from 3 submitters: Uncertain significance (3). Last evaluated 2025-11-24.

Conditions:
Hereditary cancer-predisposing syndrome. Also called: Neoplastic Syndromes, Hereditary; Hereditary neoplastic syndrome; Hereditary Cancer Syndrome; Tumor predisposition. Identifiers: Orphanet 140162, MedGen C0027672, MeSH D009386, MONDO:0015356.
Gastrointestinal stromal tumor. Also called: Gastrointestinal stromal tumor, somatic; Gastrointestinal stroma tumor. Identifiers: Orphanet 44890, MedGen C0238198, MeSH D046152, MONDO:0011719, OMIM 606764, HP:0100723.
Pheochromocytoma. Also called: MAX-Related Hereditary Paraganglioma-Pheochromocytoma Syndrome. Identifiers: Orphanet 29072, MedGen C0031511, MONDO:0008233, OMIM 171300, HP:0002666.
Pheochromocytoma/paraganglioma syndrome 4. Also called: PARAGANGLIOMA, FAMILIAL MALIGNANT; PARAGANGLIOMAS, HEREDITARY EXTRAADRENAL; PHEOCHROMOCYTOMA, FAMILIAL EXTRAADRENAL; Paragangliomas 4; SDHB-Related Hereditary Paraganglioma-Pheochromocytoma Syndrome (Paragangliomas 4); SDHB-Related Hereditary Paraganglioma-Pheochromocytoma Syndrome. Identifiers: Orphanet 29072, MedGen C1861848, MONDO:0007273, OMIM 115310.
Hereditary pheochromocytoma and paraganglioma. Also called: Hereditary Paraganglioma-Pheochromocytoma Syndromes; Hereditary pheochromocytoma-paraganglioma; Hereditary paragangliomas and pheochromocytomas. Identifiers: Orphanet 29072, MedGen C4274332, MONDO:0017366.

Allele frequency attached by ClinVar (database versions not stated): TOPMed below 0.00001.

Submissions (3):

Ambry Genetics
Classification: Uncertain significance for Hereditary cancer-predisposing syndrome. Last evaluated: 2025-11-24. Review status: criteria provided, single submitter. Criteria: Ambry Variant Classification Scheme 2023. Collection method: clinical testing. Allele origin: germline.
Comment: The p.Q24P variant (also known as c.71A>C), located in coding exon 1 of the SDHB gene, results from an A to C substitution at nucleotide position 71. The glutamine at codon 24 is replaced by proline, an amino acid with similar properties. This amino acid position is conserved. In addition, the in silico prediction for this alteration is inconclusive. Based on the available evidence, the clinical significance of this variant remains unclear.

Labcorp Genetics (formerly Invitae), Labcorp
Classification: Uncertain significance for Gastrointestinal stromal tumor; Pheochromocytoma/paraganglioma syndrome 4; Pheochromocytoma. Last evaluated: 2024-12-06. Review status: criteria provided, single submitter. Criteria: Invitae Variant Classification Sherloc (09022015). Collection method: clinical testing. Allele origin: germline.
Comment: This sequence change replaces glutamine, which is neutral and polar, with proline, which is neutral and non-polar, at codon 24 of the SDHB protein (p.Gln24Pro). This variant is not present in population databases (gnomAD no frequency). This variant has not been reported in the literature in individuals affected with SDHB-related conditions. ClinVar contains an entry for this variant (Variation ID: 239439). An algorithm developed to predict the effect of missense changes on protein structure and function (PolyPhen-2) suggests that this variant is likely to be tolerated. In summary, the available evidence is currently insufficient to determine the role of this variant in disease. Therefore, it has been classified as a Variant of Uncertain Significance.

All of Us Research Program, National Institutes of Health
Classification: Uncertain significance for Hereditary pheochromocytoma and paraganglioma. Last evaluated: 2024-01-03. Review status: criteria provided, single submitter. Criteria: ACMG Guidelines, 2015. Collection method: clinical testing. Allele origin: germline. Inheritance: Autosomal dominant inheritance. Observed: 2 variant alleles, 2 heterozygotes.
Comment: This missense variant replaces glutamine with proline at codon 24 of the SDHB protein. Computational prediction is inconclusive regarding the impact of this variant on protein structure and function (internally defined REVEL score threshold 0.5 < inconclusive < 0.7, PMID: 27666373). To our knowledge, functional studies have not been reported for this variant. This variant has not been reported in individuals affected with SDHB-related disorders in the literature. This variant has not been identified in the general population by the Genome Aggregation Database (gnomAD). The available evidence is insufficient to determine the role of this variant in disease conclusively. Therefore, this variant is classified as a Variant of Uncertain Significance.

This study involves interpretation of variants in research participants for the purpose of population health screening. Participant phenotype was not available at the time of variant classification. Additional details can be found in publication PMID: 35346344, PMCID: PMC8962531